The following is an entry in ClinVar:

NM_000384.3(APOB):c.6178T>C (p.Tyr2060His)

Gene: APOB (apolipoprotein B; minus strand). Cytogenetic location: 2p24.1.
Variant type: single nucleotide variant.
Coding change: c.6178T>C on transcript NM_000384.3 (MANE Select); coding-DNA position 6178, T replaced by C.
Protein change: p.Tyr2060His; replaces tyrosine 2060 with histidine.
Molecular consequence: missense variant.
Genome position (GRCh38, 1-based): chr2:21,010,690, A>G on the plus strand (T>C on the coding strand, the complement: APOB is on the minus strand). VCF-style: chr2-21010690-A-G. GRCh37 (hg19) VCF-style: chr2-21233562-A-G.
Other names: short protein forms Y2060H.
Identifiers: ClinVar variation 4536569 (VCV004536569.1).

ClinVar aggregate classification (germline): Uncertain significance (1 of 4 stars; one submission).

gnomAD v4.1: 1 of 1,614,056 alleles (0.000062%); highest among the groups gnomAD compares: Admixed American, 0.0017%; no homozygotes.

Submission:

GeneDx
Classification: Uncertain significance. Last evaluated: 2025-06-03. Review status: criteria provided, single submitter. Criteria: GeneDx Variant Classification Process June 2021. Collection method: clinical testing. Allele origin: germline. Affected: yes.
Comment: Not observed at significant frequency in large population cohorts (gnomAD); In silico analysis supports that this missense variant has a deleterious effect on protein structure/function; Has not been previously published as pathogenic or benign to our knowledge